The following is an entry in ClinVar:

ClinVar aggregate classification (germline): Uncertain significance (1 of 4 stars; one submission).

Conditions:
Neuroblastoma, susceptibility to, 3. Also called: ALK-Related Neuroblastic Tumor Susceptibility. Identifiers: Orphanet 635, MedGen C2751681, MONDO:0013083, OMIM 613014.

Allele frequency attached by ClinVar (database versions not stated): gnomAD 0.00001; gnomAD exomes 0.00001; ExAC 0.00002.
gnomAD v4.1: 4 of 1,613,988 alleles (0.00025%); highest among the groups gnomAD compares: Non-Finnish European, 0.000085%; no homozygotes.

Submission:

Labcorp Genetics (formerly Invitae), Labcorp
Classification: Uncertain significance for Neuroblastoma, susceptibility to, 3. Last evaluated: 2020-01-22. Review status: criteria provided, single submitter. Criteria: Invitae Variant Classification Sherloc (09022015). Collection method: clinical testing. Allele origin: germline.
Comment: This variant has not been reported in the literature in individuals with ALK-related conditions. Algorithms developed to predict the effect of missense changes on protein structure and function are either unavailable or do not agree on the potential impact of this missense change (SIFT: "Deleterious"; PolyPhen-2: "Probably Damaging"; Align-GVGD: "Class C0"). In summary, the available evidence is currently insufficient to determine the role of this variant in disease. Therefore, it has been classified as a Variant of Uncertain Significance. This variant is present in population databases (rs780310741, ExAC 0.02%). This sequence change replaces proline with histidine at codon 1374 of the ALK protein (p.Pro1374His). The proline residue is highly conserved and there is a moderate physicochemical difference between proline and histidine.

NM_004304.5(ALK):c.4121C>A (p.Pro1374His)

Gene: ALK (ALK receptor tyrosine kinase; minus strand). Cytogenetic location: 2p23.2.
Variant type: single nucleotide variant.
Coding change: c.4121C>A on transcript NM_004304.5 (MANE Select); coding-DNA position 4121, C replaced by A.
Protein change: p.Pro1374His; replaces proline 1374 with histidine.
Molecular consequence: missense variant.
Genome position (GRCh38, 1-based): chr2:29,196,813, G>T on the plus strand (C>A on the coding strand, the complement: ALK is on the minus strand). VCF-style: chr2-29196813-G-T. GRCh37 (hg19) VCF-style: chr2-29419679-G-T.
Other names: c.917C>A, p.Pro306His (NM_001353765.2); short protein forms P1374H, P306H.
Identifiers: ClinVar variation 1011027 (VCV001011027.9), dbSNP rs780310741, ClinGen allele CA1593661.